The following is an entry in ClinVar:

NM_001042492.3(NF1):c.3117T>A (p.Asn1039Lys)

Gene: NF1 (neurofibromin 1; plus strand). Cytogenetic location: 17q11.2.
Variant type: single nucleotide variant.
Coding change: c.3117T>A on transcript NM_001042492.3 (MANE Select); coding-DNA position 3117, T replaced by A.
Protein change: p.Asn1039Lys; replaces asparagine 1039 with lysine.
Molecular consequence: missense variant.
Genome position (GRCh38, 1-based): chr17:31,230,845, T>A. VCF-style: chr17-31230845-T-A. GRCh37 (hg19) VCF-style: chr17-29557863-T-A.
Other names: c.3117T>A, p.Asn1039Lys (NM_000267.4); short protein forms N1039K.
Identifiers: ClinVar variation 822930 (VCV000822930.4), dbSNP rs1597717516, ClinGen allele CA398987847.

ClinVar aggregate classification (germline): Uncertain significance (1 of 4 stars; one submission).

Conditions:
Cardiovascular phenotype. Identifiers: MedGen CN230736.
Hereditary cancer-predisposing syndrome. Also called: Tumor predisposition; Hereditary Cancer Syndrome; Neoplastic Syndromes, Hereditary; Hereditary neoplastic syndrome. Identifiers: Orphanet 140162, MedGen C0027672, MeSH D009386, MONDO:0015356.

Submission:

Ambry Genetics
Classification: Uncertain significance for Cardiovascular phenotype; Hereditary cancer-predisposing syndrome. Last evaluated: 2019-04-29. Review status: criteria provided, single submitter. Criteria: Ambry Variant Classification Scheme 2023. Collection method: clinical testing. Allele origin: germline.
Comment: The p.N1039K variant (also known as c.3117T>A), located in coding exon 24 of the NF1 gene, results from a T to A substitution at nucleotide position 3117. The asparagine at codon 1039 is replaced by lysine, an amino acid with similar properties. This amino acid position is highly conserved in available vertebrate species. In addition, this alteration is predicted to be tolerated by in silico analysis. Since supporting evidence is limited at this time, the clinical significance of this alteration remains unclear.